The following is an entry in ClinVar:

NM_152564.5(VPS13B):c.8143dup (p.Ser2715fs)

Gene: VPS13B (vacuolar protein sorting 13 homolog B; plus strand). Cytogenetic location: 8q22.2.
Variant type: Duplication.
Coding change: c.8143dup on transcript NM_152564.5 (MANE Select); coding-DNA position 8143, one base duplicated (A; older notation c.8143dupA).
Protein change: p.Ser2715fs; shifts the reading frame from serine 2715.
Molecular consequence: frameshift variant.
Genome position (GRCh38, 1-based): chr8:99,817,585, A duplicated; the last of 3 consecutive A bases (chr8:99,817,583-99,817,585); duplicating any one gives the same sequence. VCF-style (leftmost placement, unchanged base first): chr8-99817582-C-CA. GRCh37 (hg19) VCF-style: chr8-100829810-C-CA.
Other names: c.8218dup, p.Ser2740fs (NM_017890.5); short protein forms S2740fs, S2715fs.
Identifiers: ClinVar variation 1364346 (VCV001364346.6), dbSNP rs2130810644, ClinGen allele CA2573143485.

ClinVar aggregate classification (germline): Pathogenic (1 of 4 stars; one submission).

Conditions:
Cohen syndrome (COH1). Also called: PEPPER SYNDROME; Cutis verticis gyrata, retinitis pigmentosa, and sensorineural deafness. Identifiers: Orphanet 193, MedGen C0265223, MONDO:0008999, OMIM 216550.

Submission:

Labcorp Genetics (formerly Invitae), Labcorp
Classification: Pathogenic for Cohen syndrome. Last evaluated: 2021-12-13. Review status: criteria provided, single submitter. Criteria: Invitae Variant Classification Sherloc (09022015). Collection method: clinical testing. Allele origin: germline.
Comment: This sequence change creates a premature translational stop signal (p.Ser2740Lysfs*24) in the VPS13B gene. It is expected to result in an absent or disrupted protein product. Loss-of-function variants in VPS13B are known to be pathogenic (PMID: 15141358, 16648375, 20461111). For these reasons, this variant has been classified as Pathogenic. This variant has not been reported in the literature in individuals affected with VPS13B-related conditions. This variant is not present in population databases (gnomAD no frequency).

Literature cited by the submitters: PubMed 15141358; PubMed 16648375; PubMed 20461111.